The following is an entry in ClinVar:

ClinVar aggregate classification (germline): Likely benign (1 of 4 stars; one submission).

gnomAD v4.1: 1,698 of 1,613,970 alleles (0.11%); highest among the groups gnomAD compares: Non-Finnish European, 0.13%; 2 homozygotes.

Submission:

CeGaT Center for Human Genetics Tuebingen
Classification: Likely benign. Last evaluated: 2026-03-01. Review status: criteria provided, single submitter. Criteria: CeGaT Center For Human Genetics Tuebingen Variant Classification Criteria Version 2. Collection method: clinical testing. Allele origin: germline. Affected: yes. Observed: 4 variant alleles.
Comment: ZFHX4: BS1

NM_024721.5(ZFHX4):c.9701G>A (p.Gly3234Asp)

Gene: ZFHX4 (zinc finger homeobox 4; plus strand). Cytogenetic location: 8q21.13.
Variant type: single nucleotide variant.
Coding change: c.9701G>A on transcript NM_024721.5 (MANE Select); coding-DNA position 9701, G replaced by A.
Protein change: p.Gly3234Asp; replaces glycine 3234 with aspartic acid.
Molecular consequence: missense variant.
Genome position (GRCh38, 1-based): chr8:76,863,415, G>A. VCF-style: chr8-76863415-G-A. GRCh37 (hg19) VCF-style: chr8-77775651-G-A.
Other names: c.9623G>A, p.Gly3208Asp (NM_001410934.1); short protein forms G3208D, G3234D.
Identifiers: ClinVar variation 3904792 (VCV003904792.10).